The following is an entry in ClinVar:

ClinVar aggregate classification (germline): Uncertain significance (1 of 4 stars; one submission).

Conditions:
Short-rib thoracic dysplasia 11 with or without polydactyly (SRTD11). Also called: SHORT-RIB THORACIC DYSPLASIA 11 WITHOUT POLYDACTYLY. Identifiers: Orphanet 474, Orphanet 93271, MedGen C3810200, MONDO:0014287, OMIM 615633.

Allele frequency attached by ClinVar (database versions not stated): gnomAD 0.00001; ExAC 0.00002; gnomAD exomes 0.00003; TOPMed 0.00003.

Submission:

Labcorp Genetics (formerly Invitae), Labcorp
Classification: Uncertain significance for Short-rib thoracic dysplasia 11 with or without polydactyly. Last evaluated: 2022-06-13. Review status: criteria provided, single submitter. Criteria: Invitae Variant Classification Sherloc (09022015). Collection method: clinical testing. Allele origin: germline.
Comment: This sequence change replaces leucine, which is neutral and non-polar, with serine, which is neutral and polar, at codon 475 of the WDR34 protein (p.Leu475Ser). This variant is present in population databases (rs748451019, gnomAD 0.02%). This missense change has been observed in individual(s) with hypospadias, renal agenesis and costal dysplasia (Invitae). In at least one individual the data is consistent with being in trans (on the opposite chromosome) from a pathogenic variant. ClinVar contains an entry for this variant (Variation ID: 474847). Algorithms developed to predict the effect of missense changes on protein structure and function output the following: SIFT: "Tolerated"; PolyPhen-2: "Benign"; Align-GVGD: "Class C0". The serine amino acid residue is found in multiple mammalian species, which suggests that this missense change does not adversely affect protein function. In summary, the available evidence is currently insufficient to determine the role of this variant in disease. Therefore, it has been classified as a Variant of Uncertain Significance.

NM_052844.4(DYNC2I2):c.1424T>C (p.Leu475Ser)

Gene: DYNC2I2 (dynein 2 intermediate chain 2; minus strand). Cytogenetic location: 9q34.11.
Variant type: single nucleotide variant.
Coding change: c.1424T>C on transcript NM_052844.4 (MANE Select); coding-DNA position 1424, T replaced by C.
Protein change: p.Leu475Ser; replaces leucine 475 with serine.
Molecular consequence: missense variant.
Genome position (GRCh38, 1-based): chr9:128,633,931, A>G on the plus strand (T>C on the coding strand, the complement: DYNC2I2 is on the minus strand). VCF-style: chr9-128633931-A-G. GRCh37 (hg19) VCF-style: chr9-131396210-A-G.
Other names: short protein forms L475S.
Identifiers: ClinVar variation 474847 (VCV000474847.6), dbSNP rs748451019, ClinGen allele CA5266189.